The following is an entry in ClinVar:

NM_001290216.3(RARB):c.130C>G (p.Leu44Val)

Gene: RARB (retinoic acid receptor beta; plus strand). Cytogenetic location: 3p24.2.
Variant type: single nucleotide variant.
Coding change: c.130C>G on transcript NM_001290216.3; coding-DNA position 130, C replaced by G.
Protein change: p.Leu44Val; replaces leucine 44 with valine.
Molecular consequence: missense variant.
Genome position (GRCh38, 1-based): chr3:25,174,527, C>G. VCF-style: chr3-25174527-C-G. GRCh37 (hg19) VCF-style: chr3-25216018-C-G.
Other names: short protein forms L44V.
Identifiers: ClinVar variation 2632393 (VCV002632393.1), dbSNP rs759370316, ClinGen allele CA72117823.

ClinVar aggregate classification (germline): Uncertain significance (1 of 4 stars; one submission).

Conditions:
RARB-related disorder. Also called: RARB-related condition.

Allele frequency attached by ClinVar (database versions not stated): gnomAD 0.00002; TOPMed 0.00001; gnomAD exomes 0.00002.
gnomAD v4.1: 21 of 1,352,026 alleles (0.0016%); highest among the groups gnomAD compares: African/African-American, 0.003%; no homozygotes.

Submission:

PreventionGenetics, part of Exact Sciences
Classification: Uncertain significance for RARB-related condition. Last evaluated: 2023-06-16. Review status: criteria provided, single submitter. Criteria: ACMG Guidelines, 2015. Collection method: clinical testing. Allele origin: germline.
Comment: The RARB c.130C>G variant is predicted to result in the amino acid substitution p.Leu44Val. To our knowledge, this variant has not been reported in the literature. This variant is reported in 0.0044% of alleles in individuals of African descent in gnomAD. At this time, the clinical significance of this variant is uncertain due to the absence of conclusive functional and genetic evidence.